The following is an entry in ClinVar:

NM_013382.7(POMT2):c.1045C>G (p.Arg349Gly)

Gene: POMT2 (protein O-mannosyltransferase 2; minus strand). Cytogenetic location: 14q24.3.
Variant type: single nucleotide variant.
Coding change: c.1045C>G on transcript NM_013382.7 (MANE Select); coding-DNA position 1045, C replaced by G.
Protein change: p.Arg349Gly; replaces arginine 349 with glycine.
Molecular consequence: missense variant.
Genome position (GRCh38, 1-based): chr14:77,296,235, G>C on the plus strand (C>G on the coding strand, the complement: POMT2 is on the minus strand). VCF-style: chr14-77296235-G-C. GRCh37 (hg19) VCF-style: chr14-77762578-G-C.
Other names: short protein forms R349G.
Identifiers: ClinVar variation 1368679 (VCV001368679.7), dbSNP rs141339355, ClinGen allele CA390519569.

ClinVar aggregate classification (germline): Uncertain significance (1 of 4 stars; one submission).

Conditions:
Muscular dystrophy-dystroglycanopathy (congenital with brain and eye anomalies), type A2. Also called: MUSCULAR DYSTROPHY-DYSTROGLYCANOPATHY (CONGENITAL WITH BRAIN AND EYE ANOMALIES), TYPE A, 2; WALKER-WARBURG SYNDROME OR MUSCLE-EYE-BRAIN DISEASE, POMT2-RELATED. Identifiers: Orphanet 588, Orphanet 899, MedGen C3150411, MONDO:0013154, OMIM 613150.
Autosomal recessive limb-girdle muscular dystrophy type 2N. Also called: MUSCULAR DYSTROPHY-DYSTROGLYCANOPATHY, LIMB-GIRDLE, POMT2-RELATED; Muscular dystrophy-dystroglycanopathy (limb-girdle), type C, 2. Identifiers: Orphanet 206559, MedGen C3150418, MONDO:0013162, OMIM 613158.
Muscular dystrophy-dystroglycanopathy (congenital with impaired intellectual development), type B, 2. Also called: MUSCULAR DYSTROPHY, CONGENITAL, POMT2-RELATED; Muscular dystrophy-dystroglycanopathy (congenital with intellectual disability), type B2. Identifiers: MedGen C3150416, MONDO:0013160, OMIM 613156.

gnomAD v4.1: 4 of 1,608,474 alleles (0.00025%); highest among the groups gnomAD compares: Non-Finnish European, 0.00034%; no homozygotes.

Submission:

Labcorp Genetics (formerly Invitae), Labcorp
Classification: Uncertain significance for Muscular dystrophy-dystroglycanopathy (congenital with impaired intellectual development), type B, 2; Muscular dystrophy-dystroglycanopathy (congenital with brain and eye anomalies), type A2; Autosomal recessive limb-girdle muscular dystrophy type 2N. Last evaluated: 2024-02-17. Review status: criteria provided, single submitter. Criteria: Invitae Variant Classification Sherloc (09022015). Collection method: clinical testing. Allele origin: germline.
Comment: This sequence change replaces arginine, which is basic and polar, with glycine, which is neutral and non-polar, at codon 349 of the POMT2 protein (p.Arg349Gly). This variant is not present in population databases (gnomAD no frequency). This variant has not been reported in the literature in individuals affected with POMT2-related conditions. ClinVar contains an entry for this variant (Variation ID: 1368679). Advanced modeling of protein sequence and biophysical properties (such as structural, functional, and spatial information, amino acid conservation, physicochemical variation, residue mobility, and thermodynamic stability) performed at Invitae indicates that this missense variant is not expected to disrupt POMT2 protein function with a negative predictive value of 80%. In summary, the available evidence is currently insufficient to determine the role of this variant in disease. Therefore, it has been classified as a Variant of Uncertain Significance.